The following is an entry in ClinVar:

NM_153365.3(TAPT1):c.20C>G (p.Ala7Gly)

Gene: TAPT1 (transmembrane anterior posterior transformation 1; minus strand). Cytogenetic location: 4p15.32.
Variant type: single nucleotide variant.
Coding change: c.20C>G on transcript NM_153365.3 (MANE Select); coding-DNA position 20, C replaced by G.
Protein change: p.Ala7Gly; replaces alanine 7 with glycine.
Molecular consequence: missense variant.
Genome position (GRCh38, 1-based): chr4:16,226,438, G>C on the plus strand (C>G on the coding strand, the complement: TAPT1 is on the minus strand). VCF-style: chr4-16226438-G-C. GRCh37 (hg19) VCF-style: chr4-16228061-G-C.
Other names: short protein forms A7G.
Identifiers: ClinVar variation 3694843 (VCV003694843.2).

ClinVar aggregate classification (germline): Uncertain significance (1 of 4 stars; one submission).

gnomAD v4.1: 4 of 1,073,782 alleles (0.00037%); highest among the groups gnomAD compares: Non-Finnish European, 0.00045%; no homozygotes.

Submission:

Labcorp Genetics (formerly Invitae), Labcorp
Classification: Uncertain significance. Last evaluated: 2024-10-22. Review status: criteria provided, single submitter. Criteria: Invitae Variant Classification Sherloc (09022015). Collection method: clinical testing. Allele origin: germline.
Comment: This sequence change replaces alanine, which is neutral and non-polar, with glycine, which is neutral and non-polar, at codon 7 of the TAPT1 protein (p.Ala7Gly). The frequency data for this variant in the population databases is considered unreliable, as metrics indicate poor data quality at this position in the gnomAD database. This variant has not been reported in the literature in individuals affected with TAPT1-related conditions. Experimental studies and prediction algorithms are not available or were not evaluated, and the functional significance of this variant is currently unknown. In summary, the available evidence is currently insufficient to determine the role of this variant in disease. Therefore, it has been classified as a Variant of Uncertain Significance.